The following is an entry in ClinVar:

NM_004064.5(CDKN1B):c.475+5T>A

Gene: CDKN1B (cyclin dependent kinase inhibitor 1B; plus strand). Cytogenetic location: 12p13.1.
Variant type: single nucleotide variant.
Coding change: c.475+5T>A on transcript NM_004064.5 (MANE Select); 5 bases into the intron after coding-DNA position 475, T replaced by A.
Molecular consequence: intron variant.
Genome position (GRCh38, 1-based): chr12:12,718,319, T>A. VCF-style: chr12-12718319-T-A. GRCh37 (hg19) VCF-style: chr12-12871253-T-A.
Identifiers: ClinVar variation 2450788 (VCV002450788.2), dbSNP rs781394293, ClinGen allele CA2580085214.
Genomic context (GRCh38, chr12:12,718,319, plus strand): 5'-CCAGACGGGGTTAGCGGAGCAATGCGCAGGAATAAGGAAGCGACCTGCAACCGACGGTAA[T>A]GACCCTTTCCCAACCATAGAATGTGTTTGGGGCCCCGCTTTGCCTGCTGGAGGGTGTTAA-3'

ClinVar aggregate classification (germline): Uncertain significance (1 of 4 stars; one submission).

Conditions:
Hereditary cancer-predisposing syndrome. Also called: Neoplastic Syndromes, Hereditary; Tumor predisposition; Hereditary neoplastic syndrome; Hereditary Cancer Syndrome. Identifiers: Orphanet 140162, MedGen C0027672, MeSH D009386, MONDO:0015356.

gnomAD v4.1: 2 of 1,599,934 alleles (0.00013%); highest among the groups gnomAD compares: Non-Finnish European, 0.00017%; no homozygotes.

Submission:

Ambry Genetics
Classification: Uncertain significance for Hereditary cancer-predisposing syndrome. Last evaluated: 2023-02-17. Review status: criteria provided, single submitter. Criteria: Ambry Variant Classification Scheme 2023. Collection method: clinical testing. Allele origin: germline.
Comment: The c.475+5T>A intronic variant results from a T to A substitution 5 nucleotides after coding exon 1 in the CDKN1B gene. This nucleotide position is not well conserved in available vertebrate species. In silico splice site analysis predicts that this alteration will not have any significant effect on splicing. Since supporting evidence is limited at this time, the clinical significance of this alteration remains unclear.